The following is an entry in ClinVar:

NM_014629.4(ARHGEF10):c.3571G>A (p.Val1191Ile)

Gene: ARHGEF10 (Rho guanine nucleotide exchange factor 10; plus strand). Cytogenetic location: 8p23.3.
Variant type: single nucleotide variant.
Coding change: c.3571G>A on transcript NM_014629.4 (MANE Select); coding-DNA position 3571, G replaced by A.
Protein change: p.Val1191Ile; replaces valine 1191 with isoleucine.
Molecular consequence: missense variant.
Genome position (GRCh38, 1-based): chr8:1,956,799, G>A. VCF-style: chr8-1956799-G-A. GRCh37 (hg19) VCF-style: chr8-1904965-G-A.
Other names: p.Val1191Ile; c.3457G>A, p.Val1153Ile (NM_001308152.2); c.3571G>A, p.Val1191Ile (NM_001308153.3); short protein forms V1153I, V1191I, V1215I.
Identifiers: ClinVar variation 1693973 (VCV001693973.9), dbSNP rs577376669, ClinGen allele CA4601428.
Genomic context (GRCh38, chr8:1,956,799, plus strand): 5'-CCCTTTTCAGGAAGAGGCATGGTCTCCTACCATGCACACAACAGTCCTGTCAAATTCATC[G>A]TCCTGGCCACGGCTCTGCACGAGAAAGACAAGGACAAATCCAGGGACAGCCTGGCTCCTG-3'
Protein context (NP_055444.2, residues 1181-1201): HAHNSPVKFI[Val1191Ile]LATALHEKDK

ClinVar aggregate classification (germline): Uncertain significance. Review status: criteria provided, multiple submitters, no conflicts (2 of 4 stars). 2 submissions from 2 submitters: Uncertain significance (2). Last evaluated 2022-09-23.

Allele frequency attached by ClinVar (database versions not stated): TOPMed 0.00006; gnomAD exomes 0.00005; gnomAD 0.00007; 1000 Genomes Project 30x 0.00016; 1000 Genomes Project 0.00020; ExAC 0.00004.

Submissions (2):

Labcorp Genetics (formerly Invitae), Labcorp
Classification: Uncertain significance. Last evaluated: 2022-09-23. Review status: criteria provided, single submitter. Criteria: Invitae Variant Classification Sherloc (09022015). Collection method: clinical testing. Allele origin: germline.
Comment: In summary, the available evidence is currently insufficient to determine the role of this variant in disease. Therefore, it has been classified as a Variant of Uncertain Significance. This sequence change replaces valine, which is neutral and non-polar, with isoleucine, which is neutral and non-polar, at codon 1191 of the ARHGEF10 protein (p.Val1191Ile). This variant is present in population databases (rs577376669, gnomAD 0.01%). This variant has not been reported in the literature in individuals affected with ARHGEF10-related conditions. ClinVar contains an entry for this variant (Variation ID: 1693973). Advanced modeling of protein sequence and biophysical properties (such as structural, functional, and spatial information, amino acid conservation, physicochemical variation, residue mobility, and thermodynamic stability) performed at Invitae indicates that this missense variant is not expected to disrupt ARHGEF10 protein function.

Mayo Clinic Laboratories, Mayo Clinic
Classification: Uncertain significance. Last evaluated: 2021-06-24. Review status: criteria provided, single submitter. Criteria: ACMG Guidelines, 2015. Collection method: clinical testing. Allele origin: germline.